The following is an entry in ClinVar:

ClinVar aggregate classification (germline): Uncertain significance (1 of 4 stars; one submission).

Conditions:
Perlman syndrome (PRLMNS). Identifiers: Orphanet 2849, MedGen C0796113, MONDO:0009965, OMIM 267000.

Submission:

Labcorp Genetics (formerly Invitae), Labcorp
Classification: Uncertain significance for Perlman syndrome. Last evaluated: 2022-03-08. Review status: criteria provided, single submitter. Criteria: Invitae Variant Classification Sherloc (09022015). Collection method: clinical testing. Allele origin: germline.
Comment: In summary, the available evidence is currently insufficient to determine the role of this variant in disease. Therefore, it has been classified as a Variant of Uncertain Significance. Experimental studies and prediction algorithms are not available or were not evaluated, and the functional significance of this variant is currently unknown. ClinVar contains an entry for this variant (Variation ID: 854843). This variant has not been reported in the literature in individuals affected with DIS3L2-related conditions. Information on the frequency of this variant in the gnomAD database is not available, as this variant may be reported differently in the database. This variant, c.2319_2320delinsCT, is a complex sequence change that results in the deletion of 2 and insertion of 2 amino acid(s) in the DIS3L2 protein (p.Met773_Val774delinsIleLeu).

NM_152383.5(DIS3L2):c.2319_2320delinsCT (p.Met773_Val774delinsIleLeu)

Gene: DIS3L2 (DIS3 like 3'-5' exoribonuclease 2; plus strand). Cytogenetic location: 2q37.1.
Variant type: Indel.
Coding change: c.2319_2320delinsCT on transcript NM_152383.5 (MANE Select); coding-DNA positions 2319 to 2320, GG replaced by CT.
Protein change: p.Met773_Val774delinsIleLeu.
Molecular consequence: missense variant. On other transcripts: non-coding transcript variant (2), intron variant (1).
Genome position (GRCh38, 1-based): chr2:232,334,660-232,334,661, GG replaced by CT. VCF-style: chr2-232334660-GG-CT. GRCh37 (hg19) VCF-style: chr2-233199370-GG-CT.
Other names: c.1582-8685_1582-8684delinsCT (NM_001257281.2).
Identifiers: ClinVar variation 854843 (VCV000854843.9), dbSNP rs1695882697, ClinGen allele CA916081400.